The following is an entry in ClinVar:

ClinVar aggregate classification (germline): Likely benign. Review status: criteria provided, multiple submitters, no conflicts (2 of 4 stars). 2 submissions from 2 submitters: Likely benign (2). Last evaluated 2026-07-01.

Conditions:
Methylmalonic acidemia with homocystinuria, type cblX (MAHCX). Also called: INTELLECTUAL DEVELOPMENTAL DISORDER, X-LINKED 3. Identifiers: Orphanet 369962, MedGen C0796208, MONDO:0010657, OMIM 309541.

Allele frequency attached by ClinVar (database versions not stated): gnomAD exomes 0.00003; gnomAD 0.00007 and 0.00008; TOPMed 0.00007.
gnomAD v4.1: 47 of 1,201,235 alleles (0.0039%); highest among the groups gnomAD compares: East Asian, 0.024%; no homozygotes.

Submissions (2):

CeGaT Center for Human Genetics Tuebingen
Classification: Likely benign. Last evaluated: 2026-07-01. Review status: criteria provided, single submitter. Criteria: CeGaT Center For Human Genetics Tuebingen Variant Classification Criteria Version 2. Collection method: clinical testing. Allele origin: germline. Affected: yes. Observed: 1 variant allele.
Comment: HCFC1: PP2, BS2

Labcorp Genetics (formerly Invitae), Labcorp
Classification: Likely benign for Methylmalonic acidemia with homocystinuria, type cblX. Last evaluated: 2025-12-08. Review status: criteria provided, single submitter. Criteria: Invitae Variant Classification Sherloc (09022015). Collection method: clinical testing. Allele origin: germline.

NM_005334.3(HCFC1):c.1762A>G (p.Thr588Ala)

Gene: HCFC1 (host cell factor C1; minus strand). Cytogenetic location: Xq28.
Variant type: single nucleotide variant.
Coding change: c.1762A>G on transcript NM_005334.3 (MANE Select); coding-DNA position 1762, A replaced by G.
Protein change: p.Thr588Ala; replaces threonine 588 with alanine.
Molecular consequence: missense variant.
Genome position (GRCh38, 1-based): chrX:153,958,610, T>C on the plus strand (A>G on the coding strand, the complement: HCFC1 is on the minus strand). VCF-style: chrX-153958610-T-C. GRCh37 (hg19) VCF-style: chrX-153224061-T-C.
Other names: short protein forms T588A.
Identifiers: ClinVar variation 1514558 (VCV001514558.7), dbSNP rs782762959, ClinGen allele CA10557455.